The following is an entry in ClinVar:

NM_005257.6(GATA6):c.1288C>A (p.Pro430Thr)

Gene: GATA6 (GATA binding protein 6; plus strand). Cytogenetic location: 18q11.2.
Variant type: single nucleotide variant.
Coding change: c.1288C>A on transcript NM_005257.6 (MANE Select); coding-DNA position 1288, C replaced by A.
Protein change: p.Pro430Thr; replaces proline 430 with threonine.
Molecular consequence: missense variant.
Genome position (GRCh38, 1-based): chr18:22,177,107, C>A. VCF-style: chr18-22177107-C-A. GRCh37 (hg19) VCF-style: chr18-19757068-C-A.
Other names: short protein forms P430T.
Identifiers: ClinVar variation 4806120 (VCV004806120.1).

ClinVar aggregate classification (germline): Uncertain significance (1 of 4 stars; one submission).

Conditions:
Atrioventricular septal defect 5 (AVSD5). Identifiers: MedGen C3280939, MONDO:0013769, OMIM 614474.

Submission:

Labcorp Genetics (formerly Invitae), Labcorp
Classification: Uncertain significance for Atrioventricular septal defect 5. Last evaluated: 2025-12-24. Review status: criteria provided, single submitter. Criteria: Invitae Variant Classification Sherloc (09022015). Collection method: clinical testing. Allele origin: germline.
Comment: This sequence change replaces proline, which is neutral and non-polar, with threonine, which is neutral and polar, at codon 430 of the GATA6 protein (p.Pro430Thr). This variant is not present in population databases (gnomAD no frequency). This variant has not been reported in the literature in individuals affected with GATA6-related conditions. Invitae Evidence Modeling of protein sequence and biophysical properties (such as structural, functional, and spatial information, amino acid conservation, physicochemical variation, residue mobility, and thermodynamic stability) has been performed for this missense variant. However, the output from this modeling did not meet the statistical confidence thresholds required to predict the impact of this variant on GATA6 protein function. In summary, the available evidence is currently insufficient to determine the role of this variant in disease. Therefore, it has been classified as a Variant of Uncertain Significance.